The following is an entry in ClinVar:

ClinVar aggregate classification (germline): Uncertain significance (1 of 4 stars; one submission).

Allele frequency attached by ClinVar (database versions not stated): gnomAD 0.00001.
gnomAD v4.1: 34 of 1,613,884 alleles (0.0021%); highest among the groups gnomAD compares: Non-Finnish European, 0.0027%; no homozygotes.

Submission:

Labcorp Genetics (formerly Invitae), Labcorp
Classification: Uncertain significance. Last evaluated: 2025-07-10. Review status: criteria provided, single submitter. Criteria: Invitae Variant Classification Sherloc (09022015). Collection method: clinical testing. Allele origin: germline.
Comment: This sequence change replaces arginine, which is basic and polar, with glycine, which is neutral and non-polar, at codon 277 of the KIF12 protein (p.Arg277Gly). This variant is present in population databases (rs758371889, gnomAD 0.004%). This variant has not been reported in the literature in individuals affected with KIF12-related conditions. ClinVar contains an entry for this variant (Variation ID: 2719270). An algorithm developed to predict the effect of missense changes on protein structure and function (PolyPhen-2) suggests that this variant is likely to be disruptive. In summary, the available evidence is currently insufficient to determine the role of this variant in disease. Therefore, it has been classified as a Variant of Uncertain Significance.

NM_001388308.1(KIF12):c.1243C>G (p.Arg415Gly)

Gene: KIF12 (kinesin family member 12; minus strand). Cytogenetic location: 9q32.
Variant type: single nucleotide variant.
Coding change: c.1243C>G on transcript NM_001388308.1 (MANE Select); coding-DNA position 1243, C replaced by G.
Protein change: p.Arg415Gly; replaces arginine 415 with glycine.
Molecular consequence: missense variant.
Genome position (GRCh38, 1-based): chr9:114,094,251, G>C on the plus strand (C>G on the coding strand, the complement: KIF12 is on the minus strand). VCF-style: chr9-114094251-G-C. GRCh37 (hg19) VCF-style: chr9-116856531-G-C.
Other names: c.829C>G, p.Arg277Gly (NM_138424.2); short protein forms R277G, R415G.
Identifiers: ClinVar variation 2719270 (VCV002719270.3), dbSNP rs758371889, ClinGen allele CA198600889.